The following is an entry in ClinVar:

ClinVar aggregate classification (germline): Conflicting classifications of pathogenicity. Review status: criteria provided, conflicting classifications (1 of 4 stars). 3 submissions from 3 submitters: Uncertain significance (1); Likely benign (2). Last evaluated 2024-03-14.

Allele frequency attached by ClinVar (database versions not stated): gnomAD 0.00036 and 0.00038; gnomAD exomes 0.00042; TOPMed 0.00045; ESP Exome Variant Server 0.00057; ExAC 0.00061.
gnomAD v4.1: 877 of 1,204,796 alleles (0.073%); highest among the groups gnomAD compares: Non-Finnish European, 0.088%; no homozygotes.

Submissions (3):

Ambry Genetics
Classification: Uncertain significance. Last evaluated: 2024-03-14. Review status: criteria provided, single submitter. Criteria: Ambry Variant Classification Scheme 2023. Collection method: clinical testing. Allele origin: germline.

CeGaT Center for Human Genetics Tuebingen
Classification: Likely benign. Last evaluated: 2022-11-01. Review status: criteria provided, single submitter. Criteria: CeGaT Center For Human Genetics Tuebingen Variant Classification Criteria Version 2. Collection method: clinical testing. Allele origin: germline. Affected: yes. Observed: 1 variant allele.
Comment: GYG2: BS2

GeneDx
Classification: Likely benign. Last evaluated: 2017-06-28. Review status: criteria provided, single submitter. Criteria: GeneDx Variant Classification (06012015). Collection method: clinical testing. Allele origin: germline. Affected: yes.
Comment: This variant is considered likely benign or benign based on one or more of the following criteria: it is a conservative change, it occurs at a poorly conserved position in the protein, it is predicted to be benign by multiple in silico algorithms, and/or has population frequency not consistent with disease.

NM_001079855.2(GYG2):c.1350C>G (p.Ile450Met)

Gene: GYG2 (glycogenin 2; plus strand). Cytogenetic location: Xp22.33.
Variant type: single nucleotide variant.
Coding change: c.1350C>G on transcript NM_001079855.2 (MANE Select); coding-DNA position 1350, C replaced by G.
Protein change: p.Ile450Met; replaces isoleucine 450 with methionine.
Molecular consequence: missense variant.
Genome position (GRCh38, 1-based): chrX:2,881,150, C>G. VCF-style: chrX-2881150-C-G. GRCh37 (hg19) VCF-style: chrX-2799191-C-G.
Other names: c.1347C>G, p.Ile449Met (NM_001184702.2); c.1230C>G, p.Ile410Met (NM_001184703.2); c.672C>G, p.Ile224Met (NM_001184704.2); c.1443C>G, p.Ile481Met (NM_003918.3); short protein forms I481M, I449M, I450M, I224M, I410M.
Identifiers: ClinVar variation 509986 (VCV000509986.27), dbSNP rs148296798, ClinGen allele CA10337341.